The following is an entry in ClinVar:

NM_175614.5(NDUFA11):c.191-5C>T

Gene: NDUFA11 (NADH:ubiquinone oxidoreductase subunit A11; minus strand). Cytogenetic location: 19p13.3.
Variant type: single nucleotide variant.
Coding change: c.191-5C>T on transcript NM_175614.5 (MANE Select); 5 bases into the intron before coding-DNA position 191, C replaced by T.
Molecular consequence: intron variant.
Genome position (GRCh38, 1-based): chr19:5,896,580, G>A on the plus strand (C>T on the coding strand, the complement: NDUFA11 is on the minus strand). VCF-style: chr19-5896580-G-A. GRCh37 (hg19) VCF-style: chr19-5896591-G-A.
Other names: c.191-5C>T (NM_001193375.3).
Identifiers: ClinVar variation 3041025 (VCV003041025.2), dbSNP rs777802121, ClinGen allele CA9118972.

ClinVar aggregate classification (germline): Likely benign (0 of 4 stars; one submission).

Conditions:
NDUFA11-related disorder. Also called: NDUFA11-related condition.

Allele frequency attached by ClinVar (database versions not stated): gnomAD 0.00003; gnomAD exomes 0.00004; TOPMed 0.00005; ExAC 0.00013.
gnomAD v4.1: 65 of 1,562,226 alleles (0.0042%); highest among the groups gnomAD compares: South Asian, 0.029%; no homozygotes.

Submission:

PreventionGenetics, part of Exact Sciences
Classification: Likely benign for NDUFA11-related condition. Last evaluated: 2019-09-17. Review status: no assertion criteria provided. Collection method: clinical testing. Allele origin: germline.
Comment: This variant is classified as likely benign based on ACMG/AMP sequence variant interpretation guidelines (Richards et al. 2015 PMID: 25741868, with internal and published modifications).